The following is an entry in ClinVar:

NM_000051.4(ATM):c.6198+116T>C

Genes: ATM (ATM serine/threonine kinase; plus strand), C11orf65 (chromosome 11 open reading frame 65; minus strand). Cytogenetic location: 11q22.3.
Variant type: single nucleotide variant.
Coding change: c.6198+116T>C on transcript NM_000051.4 (MANE Select); 116 bases into the intron after coding-DNA position 6198, T replaced by C.
Molecular consequence: intron variant.
Genome position (GRCh38, 1-based): chr11:108,316,229, T>C. VCF-style: chr11-108316229-T-C. GRCh37 (hg19) VCF-style: chr11-108186956-T-C.
Other names: c.6198+116T>C (NM_001351834.2); c.641-7158A>G (NM_001330368.2); c.*39-7158A>G (NM_001351110.2).
Identifiers: ClinVar variation 675158 (VCV000675158.7), dbSNP rs4988084, ClinGen allele CA228401900.
Genomic context (GRCh38, chr11:108,316,229, plus strand): 5'-TCAGTATGTTGGTGGATATTTACACAGCCAGATAAACTCTAGAGATAAGACTAGAACTTA[T>C]CTGTTTTTCAGAGGATTAGGCTAAACATTCAGGGATACTCCTGAAGCAGAGGGATGCAAA-3'

ClinVar aggregate classification (germline): Benign. Review status: criteria provided, multiple submitters, no conflicts (2 of 4 stars). 4 submissions from 4 submitters: Benign (2). 2 of the submissions do not count toward it. Last evaluated 2018-06-15.

Allele frequency attached by ClinVar (database versions not stated): 1000 Genomes Project 0.08207; gnomAD 0.07391 and 0.07928; TOPMed 0.08342; 1000 Genomes Project 30x 0.08604.
gnomAD v4.1: 19,260 of 1,037,554 alleles (1.9%); highest among the groups gnomAD compares: African/African-American, 25%; 2,085 homozygotes.

Submissions (4):

GeneDx
Classification: Benign. Last evaluated: 2018-06-15. Review status: criteria provided, single submitter. Criteria: GeneDx Variant Classification (06012015). Collection method: clinical testing. Allele origin: germline. Affected: yes.
Comment: This variant is considered likely benign or benign based on one or more of the following criteria: it is a conservative change, it occurs at a poorly conserved position in the protein, it is predicted to be benign by multiple in silico algorithms, and/or has population frequency not consistent with disease.

Breakthrough Genomics
Classification: Benign. Review status: criteria provided, single submitter. Criteria: ACMG Guidelines, 2015. Collection method: not provided. Allele origin: germline. Inheritance: Autosomal recessive inheritance. Affected: yes.

Clinical Genetics Laboratory, Department of Pathology, Netherlands Cancer Institute
Classification: Benign. Review status: no assertion criteria provided. Collection method: clinical testing. Allele origin: germline. Affected: yes. Study: VKGL Data-share Consensus. Not counted in ClinVar's aggregate classification.

Joint Genome Diagnostic Labs from Nijmegen and Maastricht, Radboudumc and MUMC+
Classification: Benign. Review status: no assertion criteria provided. Collection method: clinical testing. Allele origin: germline. Affected: yes. Study: VKGL Data-share Consensus. Not counted in ClinVar's aggregate classification.